The following is an entry in ClinVar:

ClinVar aggregate classification (germline): Likely pathogenic (1 of 4 stars; one submission).

Conditions:
Dilated cardiomyopathy 1G (CMD1G). Identifiers: Orphanet 154, MedGen C1858763, MONDO:0011400, OMIM 604145.
Autosomal recessive limb-girdle muscular dystrophy type 2J (LGMDR10). Also called: Limb-girdle muscular dystrophy, type 2J; MUSCULAR DYSTROPHY, LIMB-GIRDLE, AUTOSOMAL RECESSIVE 10. Identifiers: Orphanet 140922, MedGen C1837342, MONDO:0012127, OMIM 608807.

Submission:

Labcorp Genetics (formerly Invitae), Labcorp
Classification: Likely pathogenic for Dilated cardiomyopathy 1G; Autosomal recessive limb-girdle muscular dystrophy type 2J. Last evaluated: 2024-10-18. Review status: criteria provided, single submitter. Criteria: Invitae Variant Classification Sherloc (09022015). Collection method: clinical testing. Allele origin: germline.
Comment: This sequence change affects an acceptor splice site in intron 222 of the TTN gene. It is expected to disrupt RNA splicing and likely results in a truncated or disrupted TTN protein. This variant is not present in population databases (gnomAD no frequency). This variant has not been reported in the literature in individuals affected with TTN-related conditions. ClinVar contains an entry for this variant (Variation ID: 1969495). Algorithms developed to predict the effect of sequence changes on RNA splicing suggest that this variant may disrupt the consensus splice site. This variant is located in the I band of TTN (PMID: 25589632). Truncating variants in this region have been reported in individuals affected with autosomal recessive centronuclear myopathy (PMID: 23975875, internal data). Truncating variants in this region have also been identified in individuals affected with autosomal dominant dilated cardiomyopathy and/or cardio-related conditions (PMID: 27869827, 32964742, internal data). In summary, the currently available evidence indicates that the variant is pathogenic, but additional data are needed to prove that conclusively. Therefore, this variant has been classified as Likely Pathogenic.

Literature cited by the submitters: PubMed 25589632; PubMed 23975875; PubMed 27869827; PubMed 32964742.

NM_001267550.2(TTN):c.40787-2A>G

Gene: TTN (titin; minus strand). Cytogenetic location: 2q31.2.
Variant type: single nucleotide variant.
Coding change: c.40787-2A>G on transcript NM_001267550.2 (MANE Select); the canonical splice acceptor site of the intron before coding-DNA position 40787, A replaced by G.
Molecular consequence: splice acceptor variant.
Genome position (GRCh38, 1-based): chr2:178,639,790, T>C on the plus strand (A>G on the coding strand, the complement: TTN is on the minus strand). VCF-style: chr2-178639790-T-C. GRCh37 (hg19) VCF-style: chr2-179504517-T-C.
Other names: c.13592-2A>G (NM_003319.4); c.14168-2A>G (NM_133437.4); c.13967-2A>G (NM_133432.3); c.33083-2A>G (NM_133378.4); c.35864-2A>G (NM_001256850.1).
Identifiers: ClinVar variation 1969495 (VCV001969495.5), dbSNP rs2471754892, ClinGen allele CA349662618.
Genomic context (GRCh38, chr2:178,639,790, plus strand): 5'-TGGGGCAGCGATGGGGGTTGGTTCAGGTTCCACAGGAGGTGGTTTGATTGTTTTCACTTC[T>C]GTAGAGAGAAGTCCATTGCATTAGTGTATCAATTTGTCACTTCCTAAAAACTTATTTGGT-3'